The following is an entry in ClinVar:

NM_000702.4(ATP1A2):c.2301C>A (p.Asp767Glu)

Gene: ATP1A2 (ATPase Na+/K+ transporting subunit alpha 2; plus strand). Cytogenetic location: 1q23.2.
Variant type: single nucleotide variant.
Coding change: c.2301C>A on transcript NM_000702.4 (MANE Select); coding-DNA position 2301, C replaced by A.
Protein change: p.Asp767Glu; replaces aspartic acid 767 with glutamic acid.
Molecular consequence: missense variant.
Genome position (GRCh38, 1-based): chr1:160,135,855, C>A. VCF-style: chr1-160135855-C-A. GRCh37 (hg19) VCF-style: chr1-160105645-C-A.
Other names: short protein forms D767E.
Identifiers: ClinVar variation 1309707 (VCV001309707.4), dbSNP rs2101995459, ClinGen allele CA343249993.
Genomic context (GRCh38, chr1:160,135,855, plus strand): 5'-AGAGTCCCTCTGACCTCCCTGATGCCCTCAGAATCTCCCCACAGGCCGCCTGATCTTTGA[C>A]AACTTGAAGAAATCCATCGCCTACACCCTGACCAGCAACATCCCCGAGATCACCCCCTTC-3'
Protein context (NP_000693.1, residues 757-777): TGVEEGRLIF[Asp767Glu]NLKKSIAYTL

ClinVar aggregate classification (germline): Uncertain significance (1 of 4 stars; one submission).

Submission:

GeneDx
Classification: Uncertain significance. Last evaluated: 2026-09-30. Review status: criteria provided, single submitter. Criteria: GeneDx Variant Classification Process June 2021. Collection method: clinical testing. Allele origin: germline.
Comment: Has not been previously published as pathogenic or benign to our knowledge; Not observed at significant frequency in large population cohorts (gnomAD); In silico analysis supports that this missense variant has a deleterious effect on protein structure/function; This variant is associated with the following publications: (PMID: 18184292)